The following is an entry in ClinVar:

NM_006445.4(PRPF8):c.2152C>T (p.Arg718Cys)

Gene: PRPF8 (pre-mRNA processing factor 8; minus strand). Cytogenetic location: 17p13.3.
Variant type: single nucleotide variant.
Coding change: c.2152C>T on transcript NM_006445.4 (MANE Select); coding-DNA position 2152, C replaced by T.
Protein change: p.Arg718Cys; replaces arginine 718 with cysteine.
Molecular consequence: missense variant.
Genome position (GRCh38, 1-based): chr17:1,677,005, G>A on the plus strand (C>T on the coding strand, the complement: PRPF8 is on the minus strand). VCF-style: chr17-1677005-G-A. GRCh37 (hg19) VCF-style: chr17-1580299-G-A.
Other names: c.2152C>T (NM_006445.3); short protein forms R718C.
Identifiers: ClinVar variation 4700809 (VCV004700809.2).

ClinVar aggregate classification (germline): Uncertain significance. Review status: criteria provided, multiple submitters, no conflicts (2 of 4 stars). 2 submissions from 2 submitters: Uncertain significance (2). Last evaluated 2026-08-03.

Conditions:
Inborn genetic diseases. Identifiers: MedGen C0950123, MeSH D030342.

gnomAD v4.1: 6 of 1,613,956 alleles (0.00037%); highest among the groups gnomAD compares: African/African-American, 0.0013%; no homozygotes.

Submissions (2):

Ambry Genetics
Classification: Uncertain significance for Inborn genetic diseases. Last evaluated: 2026-08-03. Review status: criteria provided, single submitter. Criteria: Ambry Variant Classification Scheme 2023. Collection method: clinical testing. Allele origin: germline.

Labcorp Genetics (formerly Invitae), Labcorp
Classification: Uncertain significance. Last evaluated: 2026-01-18. Review status: criteria provided, single submitter. Criteria: Invitae Variant Classification Sherloc (09022015). Collection method: clinical testing. Allele origin: germline.
Comment: This sequence change replaces arginine, which is basic and polar, with cysteine, which is neutral and slightly polar, at codon 718 of the PRPF8 protein (p.Arg718Cys). This variant is not present in population databases (gnomAD no frequency). This variant has not been reported in the literature in individuals affected with PRPF8-related conditions. Invitae Evidence Modeling of protein sequence and biophysical properties (such as structural, functional, and spatial information, amino acid conservation, physicochemical variation, residue mobility, and thermodynamic stability) indicates that this missense variant is expected to disrupt PRPF8 protein function with a positive predictive value of 80%. In summary, the available evidence is currently insufficient to determine the role of this variant in disease. Therefore, it has been classified as a Variant of Uncertain Significance.